The following is an entry in ClinVar:

NM_001916.5(CYC1):c.911A>C (p.Tyr304Ser)

Gene: CYC1 (cytochrome c1; plus strand). Cytogenetic location: 8q24.3.
Variant type: single nucleotide variant.
Coding change: c.911A>C on transcript NM_001916.5 (MANE Select); coding-DNA position 911, A replaced by C.
Protein change: p.Tyr304Ser; replaces tyrosine 304 with serine.
Molecular consequence: missense variant.
Genome position (GRCh38, 1-based): chr8:144,097,269, A>C. VCF-style: chr8-144097269-A-C. GRCh37 (hg19) VCF-style: chr8-145152172-A-C.
Other names: short protein forms Y304S.
Identifiers: ClinVar variation 3652586 (VCV003652586.2).

ClinVar aggregate classification (germline): Uncertain significance (1 of 4 stars; one submission).

Submission:

Labcorp Genetics (formerly Invitae), Labcorp
Classification: Uncertain significance. Last evaluated: 2025-08-18. Review status: criteria provided, single submitter. Criteria: Invitae Variant Classification Sherloc (09022015). Collection method: clinical testing. Allele origin: germline.
Comment: This sequence change replaces tyrosine, which is neutral and polar, with serine, which is neutral and polar, at codon 304 of the CYC1 protein (p.Tyr304Ser). This variant is not present in population databases (gnomAD no frequency). This variant has not been reported in the literature in individuals affected with CYC1-related conditions. ClinVar contains an entry for this variant (Variation ID: 3652586). Invitae Evidence Modeling of protein sequence and biophysical properties (such as structural, functional, and spatial information, amino acid conservation, physicochemical variation, residue mobility, and thermodynamic stability) indicates that this missense variant is not expected to disrupt CYC1 protein function with a negative predictive value of 80%. In summary, the available evidence is currently insufficient to determine the role of this variant in disease. Therefore, it has been classified as a Variant of Uncertain Significance.